The following is an entry in ClinVar:

ClinVar aggregate classification (germline): Conflicting classifications of pathogenicity. Review status: criteria provided, conflicting classifications (1 of 4 stars). 5 submissions from 5 submitters: Likely pathogenic (2); Uncertain significance (3). Last evaluated 2026-02-06.

Conditions:
COL7A1-related disorder. Also called: COL7A1- related disorders; COL7A1-related condition.
Nonsyndromic congenital nail disorder 8. Also called: TOENAIL DYSTROPHY, ISOLATED. Identifiers: MedGen C1843761, MONDO:0011852, OMIM 607523.
Recessive dystrophic epidermolysis bullosa (RDEB). Also called: severe generalized recessive dystrophic epidermolysis bullosa; epidermolysis bullosa dystrophica, autosomal recessive; EPIDERMOLYSIS BULLOSA DYSTROPHICA, GENERALIZED SEVERE, AUTOSOMAL RECESSIVE; Epidermolysis Bullosa Distrophica Autosomal Recessive (RDEB); Recessive DEB (RDEB); DYSTROPHIC EPIDERMOLYSIS BULLOSA, AUTOSOMAL RECESSIVE. Identifiers: Orphanet 79408, Orphanet 79409, MedGen C0079474, MONDO:0009179, OMIM 226600.
Transient bullous dermolysis of the newborn (TBDN). Also called: DYSTROPHIC EPIDERMOLYSIS BULLOSA, NEONATAL; EPIDERMOLYSIS BULLOSA DYSTROPHICA, NEONATAL FORM. Identifiers: Orphanet 79411, MedGen C1851573, MONDO:0007548, OMIM 131705.
Pretibial dystrophic epidermolysis bullosa. Also called: Pretibial blistering; Pretibial epidermolysis bullosa; EPIDERMOLYSIS BULLOSA DYSTROPHICA, PRETIBIAL. Identifiers: Orphanet 79410, MedGen C0432321, MONDO:0007552, OMIM 131850, HP:0012221.
Dominant dystrophic epidermolysis bullosa with absence of skin. Also called: EPIDERMOLYSIS BULLOSA WITH CONGENITAL LOCALIZED ABSENCE OF SKIN AND DEFORMITY OF NAILS; EPIDERMOLYSIS BULLOSA DYSTROPHICA, BART TYPE. Identifiers: MedGen C0268371, MONDO:0007557, OMIM 132000.
Epidermolysis bullosa pruriginosa. Also called: DEB, PRURIGINOSA; DYSTROPHIC EPIDERMOLYSIS BULLOSA PRURIGINOSA. Identifiers: Orphanet 89843, MedGen C1275114, MONDO:0011398, OMIM 604129.
Generalized dominant dystrophic epidermolysis bullosa (DDEB). Also called: Dominant DEB (DDEB); DDEB, generalized; DDEB-gen; DYSTROPHIC EPIDERMOLYSIS BULLOSA, AUTOSOMAL DOMINANT; Epidermolysis bullosa dystrophica, autosomal dominant. Identifiers: Orphanet 231568, MedGen C0432322, MONDO:0007549, OMIM 131750.

Allele frequency attached by ClinVar (database versions not stated): gnomAD 0.00001.
gnomAD v4.1: 15 of 1,612,238 alleles (0.00093%); highest among the groups gnomAD compares: Non-Finnish European, 0.0012%; no homozygotes.

Submissions (5):

Women's Health and Genetics/Laboratory Corporation of America, LabCorp
Classification: Uncertain significance. Last evaluated: 2026-02-06. Review status: criteria provided, single submitter. Criteria: LabCorp Variant Classification Summary - May 2015. Collection method: clinical testing. Allele origin: germline.
Comment: Variant summary: COL7A1 c.151C>G (p.Arg51Gly) results in a non-conservative amino acid change in the encoded protein sequence. Algorithms developed to predict the effect of missense changes on protein structure and function all suggest that this variant is likely to be disruptive. The variant allele was found at a frequency of 1.2e-05 in 250746 control chromosomes. The available data on variant occurrences in the general population are insufficient to allow any conclusion about variant significance. These data do not allow any conclusion about variant significance. To our knowledge, no experimental evidence demonstrating an impact on protein function has been reported. The following publication has been ascertained in the context of this evaluation (PMID: 16965329). ClinVar contains an entry for this variant (Variation ID: 2203389). Based on the evidence outlined above, the variant was classified as uncertain significance.

PreventionGenetics, part of Exact Sciences
Classification: Uncertain significance for COL7A1-related condition. Last evaluated: 2025-10-13. Review status: criteria provided, single submitter. Criteria: ACMG Guidelines, 2015. Collection method: clinical testing. Allele origin: germline.
Comment: The COL7A1 c.151C>G variant is predicted to result in the amino acid substitution p.Arg51Gly. This variant has been reported in the compound heterozygous state in an individual with dystrophic epidermolysis bullosa (RDEB) (Patient 3 in Drera et al. 2006. PubMed ID: 16965329). This variant is reported in 0.0026% of alleles in individuals of European (Non-Finnish) descent in gnomAD. At this time, the clinical significance of this variant is uncertain due to the absence of conclusive functional and genetic evidence.

Labcorp Genetics (formerly Invitae), Labcorp
Classification: Uncertain significance. Last evaluated: 2024-08-05. Review status: criteria provided, single submitter. Criteria: Invitae Variant Classification Sherloc (09022015). Collection method: clinical testing. Allele origin: germline.
Comment: This sequence change replaces arginine, which is basic and polar, with glycine, which is neutral and non-polar, at codon 51 of the COL7A1 protein (p.Arg51Gly). This variant is present in population databases (rs775852765, gnomAD 0.003%). This missense change has been observed in individual(s) with epidermolysis bullosa dystrophica (PMID: 16965329). ClinVar contains an entry for this variant (Variation ID: 2203389). Advanced modeling of protein sequence and biophysical properties (such as structural, functional, and spatial information, amino acid conservation, physicochemical variation, residue mobility, and thermodynamic stability) has been performed at Invitae for this missense variant, however the output from this modeling did not meet the statistical confidence thresholds required to predict the impact of this variant on COL7A1 protein function. In summary, the available evidence is currently insufficient to determine the role of this variant in disease. Therefore, it has been classified as a Variant of Uncertain Significance.

Fulgent Genetics
Classification: Likely pathogenic for Transient bullous dermolysis of the newborn; Generalized dominant dystrophic epidermolysis bullosa; Pretibial dystrophic epidermolysis bullosa; Dominant dystrophic epidermolysis bullosa with absence of skin; Recessive dystrophic epidermolysis bullosa; Epidermolysis bullosa pruriginosa; Nonsyndromic congenital nail disorder 8. Last evaluated: 2024-04-29. Review status: criteria provided, single submitter. Criteria: ACMG Guidelines, 2015. Collection method: clinical testing. Allele origin: germline.

GeneDx
Classification: Likely pathogenic. Last evaluated: 2022-09-29. Review status: criteria provided, single submitter. Criteria: GeneDx Variant Classification Process June 2021. Collection method: clinical testing. Allele origin: germline. Affected: yes.
Comment: Not observed at significant frequency in large population cohorts (gnomAD); In silico analysis supports that this missense variant does not alter protein structure/function; This variant is associated with the following publications: (PMID: 18951764, 16965329)

Literature cited by the submitters: PubMed 16965329 (cited by Women's Health and Genetics/Laboratory Corporation of America, LabCorp and Labcorp Genetics (formerly Invitae), Labcorp).

NM_000094.4(COL7A1):c.151C>G (p.Arg51Gly)

Gene: COL7A1 (collagen type VII alpha 1 chain; minus strand). Cytogenetic location: 3p21.31.
Variant type: single nucleotide variant.
Coding change: c.151C>G on transcript NM_000094.4 (MANE Select); coding-DNA position 151, C replaced by G.
Protein change: p.Arg51Gly; replaces arginine 51 with glycine.
Molecular consequence: missense variant.
Genome position (GRCh38, 1-based): chr3:48,594,483, G>C on the plus strand (C>G on the coding strand, the complement: COL7A1 is on the minus strand). VCF-style: chr3-48594483-G-C. GRCh37 (hg19) VCF-style: chr3-48631916-G-C.
Other names: short protein forms R51G.
Identifiers: ClinVar variation 2203389 (VCV002203389.10), dbSNP rs775852765, ClinGen allele CA2381633.